The following is an entry in ClinVar:

ClinVar aggregate classification (germline): Uncertain significance (1 of 4 stars; one submission).

Conditions:
Cohen syndrome (COH1). Also called: PEPPER SYNDROME; Cutis verticis gyrata, retinitis pigmentosa, and sensorineural deafness. Identifiers: Orphanet 193, MedGen C0265223, MONDO:0008999, OMIM 216550.

Submission:

Labcorp Genetics (formerly Invitae), Labcorp
Classification: Uncertain significance for Cohen syndrome. Last evaluated: 2024-02-07. Review status: criteria provided, single submitter. Criteria: Invitae Variant Classification Sherloc (09022015). Collection method: clinical testing. Allele origin: germline.
Comment: This sequence change replaces leucine, which is neutral and non-polar, with valine, which is neutral and non-polar, at codon 3416 of the VPS13B protein (p.Leu3416Val). This variant is not present in population databases (gnomAD no frequency). This variant has not been reported in the literature in individuals affected with VPS13B-related conditions. Advanced modeling of protein sequence and biophysical properties (such as structural, functional, and spatial information, amino acid conservation, physicochemical variation, residue mobility, and thermodynamic stability) performed at Invitae indicates that this missense variant is not expected to disrupt VPS13B protein function with a negative predictive value of 80%. In summary, the available evidence is currently insufficient to determine the role of this variant in disease. Therefore, it has been classified as a Variant of Uncertain Significance.

NM_152564.5(VPS13B):c.10171C>G (p.Leu3391Val)

Gene: VPS13B (vacuolar protein sorting 13 homolog B; plus strand). Cytogenetic location: 8q22.2.
Variant type: single nucleotide variant.
Coding change: c.10171C>G on transcript NM_152564.5 (MANE Select); coding-DNA position 10171, C replaced by G.
Protein change: p.Leu3391Val; replaces leucine 3391 with valine.
Molecular consequence: missense variant.
Genome position (GRCh38, 1-based): chr8:99,853,560, C>G. VCF-style: chr8-99853560-C-G. GRCh37 (hg19) VCF-style: chr8-100865788-C-G.
Other names: c.10246C>G, p.Leu3416Val (NM_017890.5); short protein forms L3416V, L3391V.
Identifiers: ClinVar variation 3632726 (VCV003632726.2).